The following is an entry in ClinVar:

ClinVar aggregate classification (germline): Uncertain significance (1 of 4 stars; one submission).

Allele frequency attached by ClinVar (database versions not stated): gnomAD exomes below 0.00001.
gnomAD v4.1: 4 of 1,614,006 alleles (0.00025%); highest among the groups gnomAD compares: Non-Finnish European, 0.00034%; no homozygotes.

Submission:

GeneDx
Classification: Uncertain significance. Last evaluated: 2022-02-01. Review status: criteria provided, single submitter. Criteria: GeneDx Variant Classification Process June 2021. Collection method: clinical testing. Allele origin: germline. Affected: yes.
Comment: Not observed at significant frequency in large population cohorts (gnomAD); In silico analysis supports that this missense variant does not alter protein structure/function; Has not been previously published as pathogenic or benign to our knowledge

NM_032188.3(KAT8):c.372G>C (p.Glu124Asp)

Gene: KAT8 (lysine acetyltransferase 8; plus strand). Cytogenetic location: 16p11.2.
Variant type: single nucleotide variant.
Coding change: c.372G>C on transcript NM_032188.3 (MANE Select); coding-DNA position 372, G replaced by C.
Protein change: p.Glu124Asp; replaces glutamic acid 124 with aspartic acid.
Molecular consequence: missense variant.
Genome position (GRCh38, 1-based): chr16:31,120,424, G>C. VCF-style: chr16-31120424-G-C. GRCh37 (hg19) VCF-style: chr16-31131745-G-C.
Other names: c.372G>C, p.Glu124Asp (NM_182958.4); short protein forms E124D.
Identifiers: ClinVar variation 1700432 (VCV001700432.2), dbSNP rs2143966629, ClinGen allele CA395669041.